The following is an entry in ClinVar:

NM_001127222.2(CACNA1A):c.3535A>C (p.Asn1179His)

Gene: CACNA1A (calcium voltage-gated channel subunit alpha1 A; minus strand). Cytogenetic location: 19p13.13.
Variant type: single nucleotide variant.
Coding change: c.3535A>C on transcript NM_001127222.2 (MANE Select); coding-DNA position 3535, A replaced by C.
Protein change: p.Asn1179His; replaces asparagine 1179 with histidine.
Molecular consequence: missense variant.
Genome position (GRCh38, 1-based): chr19:13,286,521, T>G on the plus strand (A>C on the coding strand, the complement: CACNA1A is on the minus strand). VCF-style: chr19-13286521-T-G. GRCh37 (hg19) VCF-style: chr19-13397335-T-G.
Other names: c.3538A>C (NM_001127221.1); c.3547A>C, p.Asn1183His (NM_000068.4, NM_023035.3); c.3538A>C, p.Asn1180His (NM_001127221.2, NM_001174080.2); short protein forms N1180H, N1183H, N1179H.
Identifiers: ClinVar variation 446919 (VCV000446919.10), dbSNP rs964526144, ClinGen allele CA404341181.

ClinVar aggregate classification (germline): Conflicting classifications of pathogenicity. Review status: criteria provided, conflicting classifications (1 of 4 stars). 4 submissions from 4 submitters: Uncertain significance (3); Likely benign (1). Last evaluated 2025-03-10.

Conditions:
Episodic ataxia type 2 (EA2). Also called: ATAXIA, EPISODIC, WITH NYSTAGMUS; ATAXIA, FAMILIAL PAROXYSMAL; CEREBELLAR ATAXIA, PAROXYSMAL, ACETAZOLAMIDE-RESPONSIVE; CEREBELLOPATHY, HEREDITARY PAROXYSMAL; ACETAZOLAMIDE-RESPONSIVE HEREDITARY PAROXYSMAL CEREBELLAR ATAXIA; EPISODIC ATAXIA, NYSTAGMUS-ASSOCIATED. Identifiers: Orphanet 97, MedGen C1720416, MONDO:0007163, OMIM 108500.
Developmental and epileptic encephalopathy, 42 (DEE42A). Also called: Epileptic encephalopathy, early infantile, 42; DEVELOPMENTAL AND EPILEPTIC ENCEPHALOPATHY 42A; EPILEPTIC ENCEPHALOPATHY, EARLY INFANTILE, 42A. Identifiers: MedGen C4310716, MONDO:0014917, OMIM 617106.

Allele frequency attached by ClinVar (database versions not stated): gnomAD 0.00001; gnomAD exomes 0.00007.
gnomAD v4.1: 65 of 1,007,356 alleles (0.0065%); highest among the groups gnomAD compares: Non-Finnish European, 0.0082%; no homozygotes.

Submissions (4):

Athena Diagnostics
Classification: Uncertain significance. Last evaluated: 2025-03-10. Review status: criteria provided, single submitter. Criteria: Athena Diagnostics Criteria. Collection method: clinical testing. Allele origin: unknown.
Comment: Available data are insufficient to determine the clinical significance of the variant at this time. The frequency of this variant in the general population is uninformative in assessment of its pathogenicity. In multiple individuals, this variant has been seen where an alternate explanation for disease was also identified, suggesting this variant is unlikely to cause disease. Polyphen and MutationTaster predict this amino acid change may be benign.

Mayo Clinic Laboratories, Mayo Clinic
Classification: Likely benign. Last evaluated: 2025-03-04. Review status: criteria provided, single submitter. Criteria: ACMG Guidelines, 2015. Collection method: clinical testing. Allele origin: germline. Observed: 1 variant allele.
Comment: BS2, BP4_moderate

GeneDx
Classification: Uncertain significance. Last evaluated: 2024-07-23. Review status: criteria provided, single submitter. Criteria: GeneDx Variant Classification Process June 2021. Collection method: clinical testing. Allele origin: germline. Affected: yes.
Comment: Not observed at significant frequency in large population cohorts (gnomAD); In silico analysis supports that this missense variant has a deleterious effect on protein structure/function; Has not been previously published as pathogenic or benign to our knowledge

Labcorp Genetics (formerly Invitae), Labcorp
Classification: Uncertain significance for Developmental and epileptic encephalopathy, 42; Episodic ataxia type 2. Last evaluated: 2024-02-17. Review status: criteria provided, single submitter. Criteria: Invitae Variant Classification Sherloc (09022015). Collection method: clinical testing. Allele origin: germline.
Comment: This sequence change replaces asparagine, which is neutral and polar, with histidine, which is basic and polar, at codon 1180 of the CACNA1A protein (p.Asn1180His). This variant is not present in population databases (gnomAD no frequency). This variant has not been reported in the literature in individuals affected with CACNA1A-related conditions. ClinVar contains an entry for this variant (Variation ID: 446919). Advanced modeling of protein sequence and biophysical properties (such as structural, functional, and spatial information, amino acid conservation, physicochemical variation, residue mobility, and thermodynamic stability) performed at Invitae indicates that this missense variant is not expected to disrupt CACNA1A protein function with a negative predictive value of 95%. In summary, the available evidence is currently insufficient to determine the role of this variant in disease. Therefore, it has been classified as a Variant of Uncertain Significance.